The following is an entry in ClinVar:

NM_000059.4(BRCA2):c.5311G>A (p.Gly1771Ser)

Gene: BRCA2 (BRCA2 DNA repair associated; plus strand). Cytogenetic location: 13q13.1.
Variant type: single nucleotide variant.
Coding change: c.5311G>A on transcript NM_000059.4 (MANE Select); coding-DNA position 5311, G replaced by A.
Protein change: p.Gly1771Ser; replaces glycine 1771 with serine.
Molecular consequence: missense variant.
Genome position (GRCh38, 1-based): chr13:32,339,666, G>A. VCF-style: chr13-32339666-G-A. GRCh37 (hg19) VCF-style: chr13-32913803-G-A.
Other names: c.5311G>A, p.Gly1771Ser (NM_001406719.1, NM_001406720.1); short protein forms G1771S.
Identifiers: ClinVar variation 1746770 (VCV001746770.4), dbSNP rs1420648751, ClinGen allele CA387784863.

ClinVar aggregate classification (germline): Conflicting classifications of pathogenicity. Review status: criteria provided, conflicting classifications (1 of 4 stars). 2 submissions from 2 submitters: Uncertain significance (1); Likely benign (1). Last evaluated 2023-03-23.

Conditions:
Hereditary cancer-predisposing syndrome. Also called: Hereditary Cancer Syndrome; Neoplastic Syndromes, Hereditary; Tumor predisposition; Hereditary neoplastic syndrome. Identifiers: Orphanet 140162, MedGen C0027672, MeSH D009386, MONDO:0015356.

Allele frequency attached by ClinVar (database versions not stated): TOPMed below 0.00001.

Submissions (2):

University of Washington Department of Laboratory Medicine, University of Washington
Classification: Likely benign for Hereditary cancer-predisposing syndrome. Last evaluated: 2023-03-23. Review status: criteria provided, single submitter. Criteria: Dines et al. (Genet Med. 2020). Collection method: curation. Allele origin: germline.
Comment: Missense variant in a coldspot region where missense variants are very unlikely to be pathogenic (PMID:31911673).

BRCA2 exon 11 coldspot. Reclassification based on statistical prior probability.

Ambry Genetics
Classification: Uncertain significance for Hereditary cancer-predisposing syndrome. Last evaluated: 2022-02-01. Review status: criteria provided, single submitter. Criteria: Ambry Variant Classification Scheme 2023. Collection method: clinical testing. Allele origin: germline.
Comment: The p.G1771S variant (also known as c.5311G>A), located in coding exon 10 of the BRCA2 gene, results from a G to A substitution at nucleotide position 5311. The glycine at codon 1771 is replaced by serine, an amino acid with similar properties. This amino acid position is not well conserved in available vertebrate species. In addition, this alteration is predicted to be tolerated by in silico analysis. Since supporting evidence is limited at this time, the clinical significance of this alteration remains unclear.